The following is an entry in ClinVar:

ClinVar aggregate classification (germline): Uncertain significance (1 of 4 stars; one submission).

Conditions:
Cardiovascular phenotype. Identifiers: MedGen CN230736.

gnomAD v4.1: 1 of 1,549,762 alleles (0.000065%); no homozygotes.

Submission:

Ambry Genetics
Classification: Uncertain significance for Cardiovascular phenotype. Last evaluated: 2023-06-29. Review status: criteria provided, single submitter. Criteria: Ambry Variant Classification Scheme 2023. Collection method: clinical testing. Allele origin: germline.
Comment: The p.C2085W variant (also known as c.6255C>G), located in coding exon 2 of the ZNF469 gene, results from a C to G substitution at nucleotide position 6255. The cysteine at codon 2085 is replaced by tryptophan, an amino acid with highly dissimilar properties. This amino acid position is conserved. In addition, this alteration is predicted to be tolerated by in silico analysis. Since supporting evidence is limited at this time, the clinical significance of this alteration remains unclear.

NM_001367624.2(ZNF469):c.6339C>G (p.Cys2113Trp)

Gene: ZNF469 (zinc finger protein 469; plus strand). Cytogenetic location: 16q24.2.
Variant type: single nucleotide variant.
Coding change: c.6339C>G on transcript NM_001367624.2 (MANE Select); coding-DNA position 6339, C replaced by G.
Protein change: p.Cys2113Trp; replaces cysteine 2113 with tryptophan.
Molecular consequence: missense variant.
Genome position (GRCh38, 1-based): chr16:88,433,809, C>G. VCF-style: chr16-88433809-C-G. GRCh37 (hg19) VCF-style: chr16-88500217-C-G.
Other names: NM_001127464.1:c.6255C>G; short protein forms C2113W.
Identifiers: ClinVar variation 2626113 (VCV002626113.2), dbSNP rs1216529310, ClinGen allele CA397105452.